The following is an entry in ClinVar:

NM_004357.5(CD151):c.494G>A (p.Arg165Gln)

Gene: CD151 (CD151 molecule (Raph blood group); plus strand). Cytogenetic location: 11p15.5.
Variant type: single nucleotide variant.
Coding change: c.494G>A on transcript NM_004357.5 (MANE Select); coding-DNA position 494, G replaced by A.
Protein change: p.Arg165Gln; replaces arginine 165 with glutamine.
Molecular consequence: missense variant.
Genome position (GRCh38, 1-based): chr11:837,497, G>A. VCF-style: chr11-837497-G-A. GRCh37 (hg19) VCF-style: chr11-837497-G-A.
Other names: c.494G>A, p.Arg165Gln (NM_001039490.2, NM_139029.2, NM_139030.4); short protein forms R165Q.
Identifiers: ClinVar variation 3004327 (VCV003004327.4), dbSNP rs949958895, ClinGen allele CA216987297.

ClinVar aggregate classification (germline): Uncertain significance. Review status: criteria provided, multiple submitters, no conflicts (2 of 4 stars). 2 submissions from 2 submitters: Uncertain significance (2). Last evaluated 2024-03-12.

Conditions:
RAPH BLOOD GROUP SYSTEM. Also called: MER2 BLOOD CELL ANTIGEN EXPRESSION. Identifiers: MedGen C1867341, OMIM 179620.
Epidermolysis bullosa simplex 7, with nephropathy and deafness. Also called: Nephrotic syndrome - deafness - pretibial epidermolysis bullosa syndrome; Nephropathy with Pretibial Epidermolysis Bullosa and Deafness. Identifiers: Orphanet 300333, MedGen C1836823, MONDO:0012190, OMIM 609057.

Allele frequency attached by ClinVar (database versions not stated): gnomAD 0.00001; gnomAD exomes 0.00001; TOPMed 0.00003.
gnomAD v4.1: 12 of 1,612,818 alleles (0.00074%); highest among the groups gnomAD compares: African/African-American, 0.0013%; no homozygotes.

Submissions (2):

Fulgent Genetics
Classification: Uncertain significance for RAPH BLOOD GROUP SYSTEM; Epidermolysis bullosa simplex 7, with nephropathy and deafness. Last evaluated: 2024-03-12. Review status: criteria provided, single submitter. Criteria: ACMG Guidelines, 2015. Collection method: clinical testing. Allele origin: germline.

Labcorp Genetics (formerly Invitae), Labcorp
Classification: Uncertain significance. Last evaluated: 2023-07-06. Review status: criteria provided, single submitter. Criteria: Invitae Variant Classification Sherloc (09022015). Collection method: clinical testing. Allele origin: germline.
Comment: This sequence change replaces arginine, which is basic and polar, with glutamine, which is neutral and polar, at codon 165 of the CD151 protein (p.Arg165Gln). This variant is not present in population databases (gnomAD no frequency). This variant has not been reported in the literature in individuals affected with CD151-related conditions. Algorithms developed to predict the effect of missense changes on protein structure and function output the following: SIFT: "Not Available"; PolyPhen-2: "Benign"; Align-GVGD: "Not Available". The glutamine amino acid residue is found in multiple mammalian species, which suggests that this missense change does not adversely affect protein function. In summary, the available evidence is currently insufficient to determine the role of this variant in disease. Therefore, it has been classified as a Variant of Uncertain Significance.